The following is an entry in ClinVar:

ClinVar aggregate classification (germline): Pathogenic (1 of 4 stars; one submission).

Conditions:
Glycogen storage disease, type II (IOPD). Also called: Pompe Disease; CARDIOMEGALIA GLYCOGENICA DIFFUSA; GLYCOGENOSIS, GENERALIZED, CARDIAC FORM; GSD II; POMPE DISEASE, INFANTILE-ONSET; GLYCOGEN STORAGE DISEASE II, INFANTILE-ONSET. Identifiers: Orphanet 365, MedGen C0017921, MONDO:0009290, OMIM 232300.

Submission:

Genomenon, Inc
Classification: Pathogenic for Glycogen storage disease, type II. Last evaluated: 2026-07-01. Review status: criteria provided, single submitter. Criteria: Genomenon Sequence Variant Interpretation Standards - Updated. Collection method: curation. Allele origin: germline. Affected: yes.
Comment: GAA p.Glu866LysfsTer21 (c.2596del) is a frameshift variant that is predicted to introduce a premature termination codon and result in a truncated or absent protein product. This variant has been observed in at least one proband with a GAA-related disorder (PMID:27649523). It is absent or not present at a significant frequency in gnomAD. In conclusion, we classify GAA p.Glu866LysfsTer21 (c.2596del) as a pathogenic variant.

Literature cited by the submitters: PubMed 27649523.

NM_000152.5(GAA):c.2596del (p.Glu866fs)

Gene: GAA (alpha glucosidase; plus strand). Cytogenetic location: 17q25.3.
Variant type: Deletion.
Coding change: c.2596del on transcript NM_000152.5 (MANE Select); coding-DNA position 2596, one base deleted (G; older notation c.2596delG).
Protein change: p.Glu866fs; shifts the reading frame from glutamic acid 866.
Molecular consequence: frameshift variant.
Genome position (GRCh38, 1-based): chr17:80,118,307, G deleted; the last of 2 consecutive G bases (chr17:80,118,306-80,118,307); deleting either gives the same sequence. VCF-style (leftmost placement, unchanged base first): chr17-80118305-TG-T. GRCh37 (hg19) VCF-style: chr17-78092104-TG-T.
Other names: c.2596del, p.Glu866fs (NM_001079803.3, NM_001079804.3, NM_001406741.1 and 1 more transcripts); short protein forms E866fs.
Identifiers: ClinVar variation 4876487 (VCV004876487.1).